The following is an entry in ClinVar:

Conditions:
Breast-ovarian cancer, familial, susceptibility to, 1 (BROVCA1). Also called: BRCA1 Hereditary Breast and Ovarian Cancer; OVARIAN CANCER, SUSCEPTIBILITY TO. Identifiers: Orphanet 145, MedGen C2676676, MONDO:0011450, OMIM 604370. Disease mechanism: loss of function.

Submission:

Brotman Baty Institute, University of Washington
No classification provided (evidence only). Condition: Breast-ovarian cancer, familial 1. Review status: no classification provided. Collection method: in vitro. Allele origin: not applicable. Functional consequence: functionally_normal.
ClinVar note: "not provided" was previously submitted as the classification for the variant. However, the classification appeared to be based only on an observation of functional data so it was converted to no classification on 2025-07-30.

NM_007294.4(BRCA1):c.212+5A>C

Gene: BRCA1 (BRCA1 DNA repair associated; minus strand). Cytogenetic location: 17q21.31.
Variant type: single nucleotide variant.
Coding change: c.212+5A>C on transcript NM_007294.4 (MANE Select); 5 bases into the intron after coding-DNA position 212, A replaced by C.
Molecular consequence: intron variant.
Genome position (GRCh38, 1-based): chr17:43,106,451, T>G on the plus strand (A>C on the coding strand, the complement: BRCA1 is on the minus strand). VCF-style: chr17-43106451-T-G. GRCh37 (hg19) VCF-style: chr17-41258468-T-G.
Other names: c.71+5A>C (NM_001408458.1, NM_001407931.1, NM_001407747.1 and 99 more transcripts); c.-218-11591A>C (NM_001407967.1, NM_001407966.1); c.-169-1495A>C (NM_001407959.1, NM_001407962.1, NM_001408512.1 and 4 more transcripts); c.2+27A>C (NM_001407885.1, NM_001407886.1, NM_001407898.1 and 58 more transcripts); c.212+5A>C (NM_001407686.1, NM_001408397.1, NM_001407632.1 and 167 more transcripts); c.81-1495A>C (NM_001408451.1); c.135-1495A>C (NM_001408475.1, NM_001407875.1, NM_001407659.1 and 21 more transcripts).
Identifiers: ClinVar variation 865267 (VCV000865267.3), dbSNP rs2054767462, ClinGen allele CA916080878.